The following is an entry in ClinVar:

NM_007294.4(BRCA1):c.5282del (p.Phe1761fs)

Gene: BRCA1 (BRCA1 DNA repair associated; minus strand). Cytogenetic location: 17q21.31.
Variant type: Deletion.
Coding change: c.5282del on transcript NM_007294.4 (MANE Select); coding-DNA position 5282, one base deleted (T; older notation c.5282delT).
Protein change: p.Phe1761fs; shifts the reading frame from phenylalanine 1761.
Molecular consequence: frameshift variant. On other transcripts: non-coding transcript variant (1).
Genome position (GRCh38, 1-based): chr17:43,051,113, A deleted on the plus strand (T on the coding strand, the reverse complement: BRCA1 is on the minus strand); the first of 2 consecutive A bases (chr17:43,051,113-43,051,114); deleting either gives the same sequence. VCF-style (leftmost placement, unchanged base first): chr17-43051112-GA-G. GRCh37 (hg19) VCF-style: chr17-41203129-GA-G.
Other names: 5401delT; c.5068delT, p.Phe1690Serfs (NM_001407571.1, NM_001407894.1, NM_001407895.1 and 12 more transcripts); c.5347delT, p.Phe1783Serfs (NM_001407581.1, NM_001407582.1); c.5344delT, p.Phe1782Serfs (NM_001407583.1, NM_001407585.1, NM_001407587.1); c.5341delT, p.Phe1781Serfs (NM_001407590.1, NM_001407591.1); c.5281delT, p.Phe1761Serfs (NM_001407593.1, NM_001407594.1, NM_001407596.1 and 7 more transcripts); c.5278delT, p.Phe1760Serfs (NM_001407610.1, NM_001407611.1, NM_001407612.1 and 17 more transcripts); c.5275delT, p.Phe1759Serfs (NM_001407627.1, NM_001407628.1, NM_001407629.1 and 14 more transcripts); and 76 more; short protein forms F1714fs, F1761fs, F657fs, F1782fs.
Identifiers: ClinVar variation 266541 (VCV000266541.6), dbSNP rs886040285, ClinGen allele CA10589602.

ClinVar aggregate classification (germline): Pathogenic. Review status: reviewed by expert panel (3 of 4 stars). 2 submissions from 2 submitters: Pathogenic (1). 1 of the submissions does not count toward it. Last evaluated 2016-10-18.

Conditions:
Breast-ovarian cancer, familial, susceptibility to, 1 (BROVCA1). Also called: BRCA1 Hereditary Breast and Ovarian Cancer; OVARIAN CANCER, SUSCEPTIBILITY TO. Identifiers: Orphanet 145, MedGen C2676676, MONDO:0011450, OMIM 604370. Disease mechanism: loss of function.

Submissions (2):

Evidence-based Network for the Interpretation of Germline Mutant Alleles (ENIGMA)
Classification: Pathogenic for Breast-ovarian cancer, familial, susceptibility to, 1. Last evaluated: 2016-10-18. Review status: reviewed by expert panel. Criteria: ENIGMA BRCA1/2 Classification Criteria (2015). Collection method: curation. Allele origin: germline.
Comment: Variant allele predicted to encode a truncated non-functional protein.

Consortium of Investigators of Modifiers of BRCA1/2 (CIMBA), c/o University of Cambridge
Classification: Pathogenic for Breast-ovarian cancer, familial, susceptibility to, 1. Last evaluated: 2015-10-02. Review status: criteria provided, single submitter. Criteria: CIMBA Mutation Classification guidelines May 2016. Collection method: clinical testing. Allele origin: germline. Not counted in ClinVar's aggregate classification.